The following is an entry in ClinVar:

NM_002691.4(POLD1):c.1378C>G (p.Leu460Val)

Gene: POLD1 (DNA polymerase delta 1, catalytic subunit; plus strand). Cytogenetic location: 19q13.33.
Variant type: single nucleotide variant.
Coding change: c.1378C>G on transcript NM_002691.4 (MANE Select); coding-DNA position 1378, C replaced by G.
Protein change: p.Leu460Val; replaces leucine 460 with valine.
Molecular consequence: missense variant. On other transcripts: non-coding transcript variant (1).
Genome position (GRCh38, 1-based): chr19:50,406,317, C>G. VCF-style: chr19-50406317-C-G. GRCh37 (hg19) VCF-style: chr19-50909574-C-G.
Other names: c.1378C>G, p.Leu460Val (NM_001256849.1, NM_001308632.1); short protein forms L460V.
Identifiers: ClinVar variation 1771214 (VCV001771214.2), dbSNP rs2122322000, ClinGen allele CA406979988.

ClinVar aggregate classification (germline): Uncertain significance (1 of 4 stars; one submission).

Conditions:
Hereditary cancer-predisposing syndrome. Also called: Hereditary Cancer Syndrome; Hereditary neoplastic syndrome; Neoplastic Syndromes, Hereditary; Tumor predisposition. Identifiers: Orphanet 140162, MedGen C0027672, MeSH D009386, MONDO:0015356.

Submission:

Ambry Genetics
Classification: Uncertain significance for Hereditary cancer-predisposing syndrome. Last evaluated: 2022-03-23. Review status: criteria provided, single submitter. Criteria: Ambry Variant Classification Scheme 2023. Collection method: clinical testing. Allele origin: germline.
Comment: The p.L460V variant (also known as c.1378C>G), located in coding exon 10 of the POLD1 gene, results from a C to G substitution at nucleotide position 1378. The leucine at codon 460 is replaced by valine, an amino acid with highly similar properties. This amino acid position is conserved. In addition, this alteration is predicted to be tolerated by in silico analysis. Since supporting evidence is limited at this time, the clinical significance of this alteration remains unclear.